The following is an entry in ClinVar:

NM_000384.3(APOB):c.5032T>C (p.Ser1678Pro)

Gene: APOB (apolipoprotein B; minus strand). Cytogenetic location: 2p24.1.
Variant type: single nucleotide variant.
Coding change: c.5032T>C on transcript NM_000384.3 (MANE Select); coding-DNA position 5032, T replaced by C.
Protein change: p.Ser1678Pro; replaces serine 1678 with proline.
Molecular consequence: missense variant.
Genome position (GRCh38, 1-based): chr2:21,011,836, A>G on the plus strand (T>C on the coding strand, the complement: APOB is on the minus strand). VCF-style: chr2-21011836-A-G. GRCh37 (hg19) VCF-style: chr2-21234708-A-G.
Other names: short protein forms S1678P.
Identifiers: ClinVar variation 3885033 (VCV003885033.1).
Genomic context (GRCh38, chr2:21,011,836, plus strand): 5'-TGAATTTTGCATTGTGTTCCCTGAAGCGGCCATTTGTTGTTAATTTCATAGATGCCCCAG[A>G]GAGGCCAAGCTCTGCATTCAGCTCATTCTCCAGCACCAGGAGACTACACTTCAAGTTGGT-3'
Protein context (NP_000375.3, residues 1668-1688): ENELNAELGL[Ser1678Pro]GASMKLTTNG

ClinVar aggregate classification (germline): Uncertain significance (1 of 4 stars; one submission).

Conditions:
Cardiovascular phenotype. Identifiers: MedGen CN230736.

gnomAD v4.1: 1 of 1,614,170 alleles (0.000062%); highest among the groups gnomAD compares: Admixed American, 0.0017%; no homozygotes.

Submission:

Ambry Genetics
Classification: Uncertain significance for Cardiovascular phenotype. Last evaluated: 2024-12-28. Review status: criteria provided, single submitter. Criteria: Ambry Variant Classification Scheme 2023. Collection method: clinical testing. Allele origin: germline.
Comment: The p.S1678P variant (also known as c.5032T>C), located in coding exon 26 of the APOB gene, results from a T to C substitution at nucleotide position 5032. The serine at codon 1678 is replaced by proline, an amino acid with similar properties. This amino acid position is conserved. In addition, this alteration is predicted to be tolerated by in silico analysis. Based on the available evidence, the clinical significance of this variant remains unclear.